The following is an entry in ClinVar:

ClinVar aggregate classification (germline): Uncertain significance. Review status: criteria provided, multiple submitters, no conflicts (2 of 4 stars). 3 submissions from 3 submitters: Uncertain significance (3). Last evaluated 2025-08-18.

Conditions:
Inborn genetic diseases. Identifiers: MedGen C0950123, MeSH D030342.
Cryptosporidiosis-chronic cholangitis-liver disease syndrome. Also called: Immunodeficiency type 56; IL21R immunodeficiency. Identifiers: Orphanet 357329, MedGen C3554687, MONDO:0014082, OMIM 615207.

gnomAD v4.1: 4 of 1,613,754 alleles (0.00025%); highest among the groups gnomAD compares: South Asian, 0.0022%; no homozygotes.

Submissions (3):

Labcorp Genetics (formerly Invitae), Labcorp
Classification: Uncertain significance for Cryptosporidiosis-chronic cholangitis-liver disease syndrome. Last evaluated: 2025-08-18. Review status: criteria provided, single submitter. Criteria: Invitae Variant Classification Sherloc (09022015). Collection method: clinical testing. Allele origin: germline.
Comment: This sequence change replaces proline, which is neutral and non-polar, with serine, which is neutral and polar, at codon 279 of the IL21R protein (p.Pro279Ser). This variant is not present in population databases (gnomAD no frequency). This variant has not been reported in the literature in individuals affected with IL21R-related conditions. ClinVar contains an entry for this variant (Variation ID: 1508098). Invitae Evidence Modeling of protein sequence and biophysical properties (such as structural, functional, and spatial information, amino acid conservation, physicochemical variation, residue mobility, and thermodynamic stability) indicates that this missense variant is not expected to disrupt IL21R protein function with a negative predictive value of 80%. In summary, the available evidence is currently insufficient to determine the role of this variant in disease. Therefore, it has been classified as a Variant of Uncertain Significance.

Ambry Genetics
Classification: Uncertain significance for Inborn genetic diseases. Last evaluated: 2023-07-30. Review status: criteria provided, single submitter. Criteria: Ambry Variant Classification Scheme 2023. Collection method: clinical testing. Allele origin: germline.

Revvity Omics, Revvity
Classification: Uncertain significance for Cryptosporidiosis-chronic cholangitis-liver disease syndrome. Last evaluated: 2021-09-14. Review status: criteria provided, single submitter. Criteria: ACMG Guidelines, 2015. Collection method: clinical testing. Allele origin: germline.

NM_181078.3(IL21R):c.835C>T (p.Pro279Ser)

Gene: IL21R (interleukin 21 receptor; plus strand). Cytogenetic location: 16p12.1.
Variant type: single nucleotide variant.
Coding change: c.835C>T on transcript NM_181078.3 (MANE Select); coding-DNA position 835, C replaced by T.
Protein change: p.Pro279Ser; replaces proline 279 with serine.
Molecular consequence: missense variant.
Genome position (GRCh38, 1-based): chr16:27,446,056, C>T. VCF-style: chr16-27446056-C-T. GRCh37 (hg19) VCF-style: chr16-27457377-C-T.
Other names: c.835C>T, p.Pro279Ser (NM_021798.4); c.901C>T, p.Pro301Ser (NM_181079.5); c.901C>T (NM_181079.4); short protein forms P301S, P279S.
Identifiers: ClinVar variation 1508098 (VCV001508098.8), dbSNP rs2087472224, ClinGen allele CA395305212.